The following is an entry in ClinVar:

NM_000051.4(ATM):c.1949A>C (p.Glu650Ala)

Gene: ATM (ATM serine/threonine kinase; plus strand). Cytogenetic location: 11q22.3.
Variant type: single nucleotide variant.
Coding change: c.1949A>C on transcript NM_000051.4 (MANE Select); coding-DNA position 1949, A replaced by C.
Protein change: p.Glu650Ala; replaces glutamic acid 650 with alanine.
Molecular consequence: missense variant.
Genome position (GRCh38, 1-based): chr11:108,253,864, A>C. VCF-style: chr11-108253864-A-C. GRCh37 (hg19) VCF-style: chr11-108124591-A-C.
Other names: c.1949A>C, p.Glu650Ala (NM_001351834.2); short protein forms E650A.
Identifiers: ClinVar variation 2453992 (VCV002453992.2), dbSNP rs2135367187, ClinGen allele CA382536674.

ClinVar aggregate classification (germline): Uncertain significance (1 of 4 stars; one submission).

Conditions:
Hereditary cancer-predisposing syndrome. Also called: Neoplastic Syndromes, Hereditary; Hereditary neoplastic syndrome; Tumor predisposition; Hereditary Cancer Syndrome. Identifiers: Orphanet 140162, MedGen C0027672, MeSH D009386, MONDO:0015356.

Submission:

Ambry Genetics
Classification: Uncertain significance for Hereditary cancer-predisposing syndrome. Last evaluated: 2023-03-09. Review status: criteria provided, single submitter. Criteria: Ambry Variant Classification Scheme 2023. Collection method: clinical testing. Allele origin: germline.
Comment: The p.E650A variant (also known as c.1949A>C), located in coding exon 12 of the ATM gene, results from an A to C substitution at nucleotide position 1949. The glutamic acid at codon 650 is replaced by alanine, an amino acid with dissimilar properties. This amino acid position is well conserved in available vertebrate species. In addition, this alteration is predicted to be tolerated by in silico analysis. Since supporting evidence is limited at this time, the clinical significance of this alteration remains unclear.